The following is an entry in ClinVar:

ClinVar aggregate classification (germline): Benign (1 of 4 stars; one submission).

Allele frequency attached by ClinVar (database versions not stated): TOPMed 0.91360; 1000 Genomes Project 30x 0.91193.
gnomAD v4.1: 946,866 of 965,108 alleles (98%); highest among the groups gnomAD compares: East Asian, 100%; 466,470 homozygotes.

Submission:

GeneDx
Classification: Benign. Last evaluated: 2018-06-14. Review status: criteria provided, single submitter. Criteria: GeneDx Variant Classification (06012015). Collection method: clinical testing. Allele origin: germline. Affected: yes.
Comment: This variant is considered likely benign or benign based on one or more of the following criteria: it is a conservative change, it occurs at a poorly conserved position in the protein, it is predicted to be benign by multiple in silico algorithms, and/or has population frequency not consistent with disease.

NM_001386795.1(DTNA):c.148+144G>T

Genes: DTNA (dystrobrevin alpha; plus strand), DTNA-AS1 (DTNA antisense RNA 1; minus strand). Cytogenetic location: 18q12.1.
Variant type: single nucleotide variant.
Coding change: c.148+144G>T on transcript NM_001386795.1 (MANE Select); 144 bases into the intron after coding-DNA position 148, G replaced by T.
Molecular consequence: intron variant.
Genome position (GRCh38, 1-based): chr18:34,766,185, G>T. VCF-style: chr18-34766185-G-T. GRCh37 (hg19) VCF-style: chr18-32346149-G-T.
Other names: c.148+144G>T (NM_032975.4, NM_001386761.1, NM_001386762.1 and 35 more transcripts).
Identifiers: ClinVar variation 672609 (VCV000672609.1), dbSNP rs1383288, ClinGen allele CA14602056.